The following is an entry in ClinVar:

NM_006260.5(DNAJC3):c.18C>T (p.Ser6=)

Gene: DNAJC3 (DnaJ heat shock protein family (Hsp40) member C3; plus strand). Cytogenetic location: 13q32.1.
Variant type: single nucleotide variant.
Coding change: c.18C>T on transcript NM_006260.5 (MANE Select); coding-DNA position 18, C replaced by T.
Protein change: p.Ser6=; no amino-acid change (serine 6 retained).
Molecular consequence: synonymous variant.
Genome position (GRCh38, 1-based): chr13:95,677,273, C>T. VCF-style: chr13-95677273-C-T. GRCh37 (hg19) VCF-style: chr13-96329527-C-T.
Identifiers: ClinVar variation 4978686 (VCV004978686.1).

ClinVar aggregate classification (germline): Likely benign (1 of 4 stars; one submission).

Conditions:
DNAJC3-related disorder. Also called: DNAJC3-related condition.

gnomAD v4.1: 168 of 1,602,864 alleles (0.01%); highest among the groups gnomAD compares: African/African-American, 0.2%; no homozygotes.

Submission:

PreventionGenetics, part of Exact Sciences
Classification: Likely benign for DNAJC3-related condition. Last evaluated: 2024-12-12. Review status: criteria provided, single submitter. Criteria: ACMG Guidelines, 2015. Collection method: clinical testing. Allele origin: germline.
Comment: This variant is classified as likely benign based on ACMG/AMP sequence variant interpretation guidelines (Richards et al. 2015 PMID: 25741868, with internal and published modifications).